The following is an entry in ClinVar:

ClinVar aggregate classification (germline): Uncertain significance. Review status: criteria provided, multiple submitters, no conflicts (2 of 4 stars). 2 submissions from 2 submitters: Uncertain significance (2). Last evaluated 2025-01-07.

Conditions:
Familial thoracic aortic aneurysm and aortic dissection (TAAD). Also called: Thoracic aortic aneurysms and dissections. Identifiers: Orphanet 91387, MedGen C4707243, MONDO:0019625.
Adams-Oliver syndrome 5 (AOS5). Identifiers: Orphanet 974, MedGen C4014970, MONDO:0014459, OMIM 616028.

gnomAD v4.1: 2 of 1,585,730 alleles (0.00013%); highest among the groups gnomAD compares: African/African-American, 0.0013%; no homozygotes.

Submissions (2):

Labcorp Genetics (formerly Invitae), Labcorp
Classification: Uncertain significance for Adams-Oliver syndrome 5. Last evaluated: 2025-01-07. Review status: criteria provided, single submitter. Criteria: Invitae Variant Classification Sherloc (09022015). Collection method: clinical testing. Allele origin: germline.
Comment: This sequence change replaces asparagine, which is neutral and polar, with serine, which is neutral and polar, at codon 1603 of the NOTCH1 protein (p.Asn1603Ser). This variant is not present in population databases (gnomAD no frequency). This variant has not been reported in the literature in individuals affected with NOTCH1-related conditions. Invitae Evidence Modeling of protein sequence and biophysical properties (such as structural, functional, and spatial information, amino acid conservation, physicochemical variation, residue mobility, and thermodynamic stability) indicates that this missense variant is not expected to disrupt NOTCH1 protein function with a negative predictive value of 80%. In summary, the available evidence is currently insufficient to determine the role of this variant in disease. Therefore, it has been classified as a Variant of Uncertain Significance.

Ambry Genetics
Classification: Uncertain significance for Familial thoracic aortic aneurysm and aortic dissection. Last evaluated: 2025-01-04. Review status: criteria provided, single submitter. Criteria: Ambry Variant Classification Scheme 2023. Collection method: clinical testing. Allele origin: germline.
Comment: The p.N1603S variant (also known as c.4808A>G), located in coding exon 26 of the NOTCH1 gene, results from an A to G substitution at nucleotide position 4808. The asparagine at codon 1603 is replaced by serine, an amino acid with highly similar properties. This amino acid position is conserved. In addition, this alteration is predicted to be tolerated by in silico analysis. Based on the available evidence, the clinical significance of this variant remains unclear.

NM_017617.5(NOTCH1):c.4808A>G (p.Asn1603Ser)

Gene: NOTCH1 (notch receptor 1; minus strand). Cytogenetic location: 9q34.3.
Variant type: single nucleotide variant.
Coding change: c.4808A>G on transcript NM_017617.5 (MANE Select); coding-DNA position 4808, A replaced by G.
Protein change: p.Asn1603Ser; replaces asparagine 1603 with serine.
Molecular consequence: missense variant.
Genome position (GRCh38, 1-based): chr9:136,504,883, T>C on the plus strand (A>G on the coding strand, the complement: NOTCH1 is on the minus strand). VCF-style: chr9-136504883-T-C. GRCh37 (hg19) VCF-style: chr9-139399335-T-C.
Other names: c.4808A>G (NM_017617.3); short protein forms N1603S.
Identifiers: ClinVar variation 3665975 (VCV003665975.3).